The following is an entry in ClinVar:

ClinVar aggregate classification (germline): Uncertain significance (1 of 4 stars; one submission).

gnomAD v4.1: 6 of 1,543,586 alleles (0.00039%); highest among the groups gnomAD compares: Admixed American, 0.0018%; no homozygotes.

Submission:

Labcorp Genetics (formerly Invitae), Labcorp
Classification: Uncertain significance. Last evaluated: 2023-12-15. Review status: criteria provided, single submitter. Criteria: Invitae Variant Classification Sherloc (09022015). Collection method: clinical testing. Allele origin: germline.
Comment: This sequence change falls in intron 1 of the DVL1 gene. It does not directly change the encoded amino acid sequence of the DVL1 protein. It affects a nucleotide within the consensus splice site. The frequency data for this variant in the population databases is considered unreliable, as metrics indicate poor data quality at this position in the gnomAD database. This variant has not been reported in the literature in individuals affected with DVL1-related conditions. Variants that disrupt the consensus splice site are a relatively common cause of aberrant splicing (PMID: 17576681, 9536098). Algorithms developed to predict the effect of sequence changes on RNA splicing suggest that this variant is not likely to affect RNA splicing. In summary, the available evidence is currently insufficient to determine the role of this variant in disease. Therefore, it has been classified as a Variant of Uncertain Significance.

Literature cited by the submitters: PubMed 17576681; PubMed 9536098.

NM_001330311.2(DVL1):c.170+3C>T

Gene: DVL1 (dishevelled segment polarity protein 1; minus strand). Cytogenetic location: 1p36.33.
Variant type: single nucleotide variant.
Coding change: c.170+3C>T on transcript NM_001330311.2 (MANE Select); 3 bases into the intron after coding-DNA position 170, C replaced by T.
Molecular consequence: intron variant.
Genome position (GRCh38, 1-based): chr1:1,348,893, G>A on the plus strand (C>T on the coding strand, the complement: DVL1 is on the minus strand). VCF-style: chr1-1348893-G-A. GRCh37 (hg19) VCF-style: chr1-1284273-G-A.
Other names: c.170+3C>T (NM_004421.3).
Identifiers: ClinVar variation 2987473 (VCV002987473.3), dbSNP rs1186497386, ClinGen allele CA521009012.